The following is an entry in ClinVar:

ClinVar aggregate classification (germline): Uncertain significance (1 of 4 stars; one submission).

Conditions:
Autosomal recessive early-onset Parkinson disease 6 (PARK6). Also called: PINK1-Related Parkinson Disease; PARKINSON DISEASE 6, MODIFIER OF; PARKINSON DISEASE 6, EARLY-ONSET; PINK1 Type of Young-Onset Parkinson Disease. Identifiers: Orphanet 2828, MedGen C1853833, MONDO:0011613, OMIM 605909.

Submission:

Labcorp Genetics (formerly Invitae), Labcorp
Classification: Uncertain significance for Autosomal recessive early-onset Parkinson disease 6. Last evaluated: 2021-12-03. Review status: criteria provided, single submitter. Criteria: Invitae Variant Classification Sherloc (09022015). Collection method: clinical testing. Allele origin: germline.
Comment: This sequence change replaces proline, which is neutral and non-polar, with threonine, which is neutral and polar, at codon 289 of the PINK1 protein (p.Pro289Thr). Information on the frequency of this variant in the gnomAD database is not available, as this variant may be reported differently in the database. This variant has not been reported in the literature in individuals affected with PINK1-related conditions. Experimental studies and prediction algorithms are not available or were not evaluated, and the functional significance of this variant is currently unknown. In summary, the available evidence is currently insufficient to determine the role of this variant in disease. Therefore, it has been classified as a Variant of Uncertain Significance.

NM_032409.3(PINK1):c.864_865delinsAA (p.Pro289Thr)

Genes: PINK1 (PTEN induced kinase 1; plus strand), PINK1-AS (PINK1 antisense RNA; minus strand). Cytogenetic location: 1p36.12.
Variant type: Indel.
Coding change: c.864_865delinsAA on transcript NM_032409.3 (MANE Select); coding-DNA positions 864 to 865, GC replaced by AA.
Protein change: p.Pro289Thr; replaces proline 289 with threonine.
Molecular consequence: missense variant.
Genome position (GRCh38, 1-based): chr1:20,644,577-20,644,578, GC replaced by AA. VCF-style: chr1-20644577-GC-AA. GRCh37 (hg19) VCF-style: chr1-20971070-GC-AA.
Other names: short protein forms P289T.
Identifiers: ClinVar variation 1922868 (VCV001922868.2), dbSNP rs2545258261, ClinGen allele CA2580061424.